The following is an entry in ClinVar:

NM_004364.5(CEBPA):c.668G>A (p.Gly223Asp)

Gene: CEBPA (CCAAT enhancer binding protein alpha; minus strand). Cytogenetic location: 19q13.11.
Variant type: single nucleotide variant.
Coding change: c.668G>A on transcript NM_004364.5 (MANE Select); coding-DNA position 668, G replaced by A.
Protein change: p.Gly223Asp; replaces glycine 223 with aspartic acid.
Molecular consequence: missense variant.
Genome position (GRCh38, 1-based): chr19:33,301,747, C>T on the plus strand (G>A on the coding strand, the complement: CEBPA is on the minus strand). VCF-style: chr19-33301747-C-T. GRCh37 (hg19) VCF-style: chr19-33792653-C-T.
Other names: c.311G>A, p.Gly104Asp (NM_001285829.2); c.773G>A, p.Gly258Asp (NM_001287424.2); c.626G>A, p.Gly209Asp (NM_001287435.2); short protein forms G209D, G223D, G258D, G104D.
Identifiers: ClinVar variation 1421441 (VCV001421441.8), dbSNP rs2145260788, ClinGen allele CA405274455.
Genomic context (GRCh38, chr19:33,301,747, plus strand): 5'-GCACCGAGCGCGGGCGCGGGGTGCGGGCTGGGCACGGGCGTGGGCGGCGGCGTGGGGTGA[C>T]CGGGCTGCAGGTGCATGGTGGTCTGGCCGCAGTGCGCGATCTGGAACTGCAGGTGCGGGG-3'
Protein context (NP_004355.2, residues 213-233): CGQTTMHLQP[Gly223Asp]HPTPPPTPVP

ClinVar aggregate classification (germline): Uncertain significance (1 of 4 stars; one submission).

Conditions:
Acute myeloid leukemia (AML). Also called: Leukemia, acute myeloid, somatic; Leukemia, acute myelogenous, somatic; Acute myeloid leukemia, adult; AML adult; Acute non-lymphocytic leukemia; Acute granulocytic leukemia. Identifiers: Orphanet 519, MedGen C0023467, MeSH D015470, MONDO:0018874, OMIM 601626, HP:0004808. Disease mechanism: Constitutively activated FLT3.

Submission:

Labcorp Genetics (formerly Invitae), Labcorp
Classification: Uncertain significance for Acute myeloid leukemia. Last evaluated: 2021-02-10. Review status: criteria provided, single submitter. Criteria: Invitae Variant Classification Sherloc (09022015). Collection method: clinical testing. Allele origin: germline.
Comment: In summary, the available evidence is currently insufficient to determine the role of this variant in disease. Therefore, it has been classified as a Variant of Uncertain Significance. Algorithms developed to predict the effect of missense changes on protein structure and function are either unavailable or do not agree on the potential impact of this missense change (SIFT: "Tolerated"; PolyPhen-2: "Probably Damaging"; Align-GVGD: "Class C0"). This variant has not been reported in the literature in individuals with CEBPA-related conditions. The frequency data for this variant in the population databases is considered unreliable, as metrics indicate insufficient coverage at this position in the ExAC database. This sequence change replaces glycine with aspartic acid at codon 223 of the CEBPA protein (p.Gly223Asp). The glycine residue is moderately conserved and there is a moderate physicochemical difference between glycine and aspartic acid.